The following is an entry in ClinVar:

NM_001105206.3(LAMA4):c.1537C>G (p.Gln513Glu)

Gene: LAMA4 (laminin subunit alpha 4; minus strand). Cytogenetic location: 6q21.
Variant type: single nucleotide variant.
Coding change: c.1537C>G on transcript NM_001105206.3 (MANE Select); coding-DNA position 1537, C replaced by G.
Protein change: p.Gln513Glu; replaces glutamine 513 with glutamic acid.
Molecular consequence: missense variant.
Genome position (GRCh38, 1-based): chr6:112,172,625, G>C on the plus strand (C>G on the coding strand, the complement: LAMA4 is on the minus strand). VCF-style: chr6-112172625-G-C. GRCh37 (hg19) VCF-style: chr6-112493827-G-C.
Other names: c.1516C>G, p.Gln506Glu (NM_001105207.3, NM_002290.5); short protein forms Q506E, Q513E.
Identifiers: ClinVar variation 2908813 (VCV002908813.3), dbSNP rs1554342216, ClinGen allele CA365370433.
Genomic context (GRCh38, chr6:112,172,625, plus strand): 5'-CACACTGCTGATGCTGAAATGCATTGATGGTGAGTGTCCGCTGTACCTCATGGTCCCGCT[G>C]CCTGGCTGCTGTGGCCCTGTTCATGTCTTCGGCATCCCTGACATAGTTAAGGGCCTGGTC-3'
Protein context (NP_001098676.2, residues 503-523): EDMNRATAAR[Gln513Glu]RDHEKQQERV

ClinVar aggregate classification (germline): Uncertain significance (1 of 4 stars; one submission).

Conditions:
Dilated cardiomyopathy 1JJ (CMD1JJ). Identifiers: Orphanet 154, MedGen C3808935, MONDO:0014095, OMIM 615235.

Submission:

Labcorp Genetics (formerly Invitae), Labcorp
Classification: Uncertain significance for Dilated cardiomyopathy 1JJ. Last evaluated: 2022-12-27. Review status: criteria provided, single submitter. Criteria: Invitae Variant Classification Sherloc (09022015). Collection method: clinical testing. Allele origin: germline.
Comment: In summary, the available evidence is currently insufficient to determine the role of this variant in disease. Therefore, it has been classified as a Variant of Uncertain Significance. Algorithms developed to predict the effect of missense changes on protein structure and function (SIFT, PolyPhen-2, Align-GVGD) all suggest that this variant is likely to be tolerated. This variant has not been reported in the literature in individuals affected with LAMA4-related conditions. This variant is present in population databases (no rsID available, gnomAD 0.0009%). This sequence change replaces glutamine, which is neutral and polar, with glutamic acid, which is acidic and polar, at codon 506 of the LAMA4 protein (p.Gln506Glu).